The following is an entry in ClinVar:

ClinVar aggregate classification (germline): Likely benign. Review status: criteria provided, single submitter (1 of 4 stars). 2 submissions from 2 submitters: Likely benign (1). 1 of the submissions does not count toward it. Last evaluated 2023-07-28.

Conditions:
Bardet-Biedl syndrome (BBS). Identifiers: Orphanet 110, MedGen C0752166, MONDO:0015229.
BBS10-related disorder. Also called: BBS10-related condition.

Allele frequency attached by ClinVar (database versions not stated): gnomAD exomes 0.00001.
gnomAD v4.1: 3 of 1,613,788 alleles (0.00019%); highest among the groups gnomAD compares: Non-Finnish European, 0.00025%; no homozygotes.

Submissions (2):

Labcorp Genetics (formerly Invitae), Labcorp
Classification: Likely benign for Bardet-Biedl syndrome. Last evaluated: 2023-07-28. Review status: criteria provided, single submitter. Criteria: Invitae Variant Classification Sherloc (09022015). Collection method: clinical testing. Allele origin: germline.

PreventionGenetics, part of Exact Sciences
Classification: Likely benign for BBS10-related condition. Last evaluated: 2023-10-11. Review status: no assertion criteria provided. Collection method: clinical testing. Allele origin: germline. Not counted in ClinVar's aggregate classification.
Comment: This variant is classified as likely benign based on ACMG/AMP sequence variant interpretation guidelines (Richards et al. 2015 PMID: 25741868, with internal and published modifications).

NM_024685.4(BBS10):c.687T>A (p.Pro229=)

Gene: BBS10 (Bardet-Biedl syndrome 10; minus strand). Cytogenetic location: 12q21.2.
Variant type: single nucleotide variant.
Coding change: c.687T>A on transcript NM_024685.4 (MANE Select); coding-DNA position 687, T replaced by A.
Protein change: p.Pro229=; no amino-acid change (proline 229 retained).
Molecular consequence: synonymous variant.
Genome position (GRCh38, 1-based): chr12:76,347,298, A>T on the plus strand (T>A on the coding strand, the complement: BBS10 is on the minus strand). VCF-style: chr12-76347298-A-T. GRCh37 (hg19) VCF-style: chr12-76741078-A-T.
Other names: c.687T>A (NM_024685.3).
Identifiers: ClinVar variation 1930522 (VCV001930522.7), dbSNP rs749392946, ClinGen allele CA481011574.